The following is an entry in ClinVar:

NM_001715.3(BLK):c.449T>A (p.Ile150Asn)

Genes: BLK (BLK proto-oncogene, Src family tyrosine kinase), LOC126860303 (CDK7 strongly-dependent group 2 enhancer GRCh37_chr8:11407118-11408317). Cytogenetic location: 8p23.1.
Variant type: single nucleotide variant.
Coding change: c.449T>A on transcript NM_001715.3 (MANE Select); coding-DNA position 449, T replaced by A.
Protein change: p.Ile150Asn; replaces isoleucine 150 with asparagine.
Molecular consequence: missense variant.
Genome position (GRCh38, 1-based): chr8:11,550,239, T>A. VCF-style: chr8-11550239-T-A. GRCh37 (hg19) VCF-style: chr8-11407748-T-A.
Other names: c.236T>A, p.Ile79Asn (NM_001330465.2); short protein forms I79N, I150N.
Identifiers: ClinVar variation 4750823 (VCV004750823.1).

ClinVar aggregate classification (germline): Uncertain significance (1 of 4 stars; one submission).

gnomAD v4.1: 19 of 1,613,966 alleles (0.0012%); highest among the groups gnomAD compares: Admixed American, 0.032%; no homozygotes.

Submission:

Labcorp Genetics (formerly Invitae), Labcorp
Classification: Uncertain significance. Last evaluated: 2025-05-13. Review status: criteria provided, single submitter. Criteria: Invitae Variant Classification Sherloc (09022015). Collection method: clinical testing. Allele origin: germline.
Comment: This sequence change replaces isoleucine, which is neutral and non-polar, with asparagine, which is neutral and polar, at codon 150 of the BLK protein (p.Ile150Asn). This variant is present in population databases (rs200916733, gnomAD 0.06%), and has an allele count higher than expected for a pathogenic variant. This variant has not been reported in the literature in individuals affected with BLK-related conditions. An algorithm developed to predict the effect of missense changes on protein structure and function (PolyPhen-2) suggests that this variant is likely to be disruptive. In summary, the available evidence is currently insufficient to determine the role of this variant in disease. Therefore, it has been classified as a Variant of Uncertain Significance.